The following is an entry in ClinVar:

ClinVar aggregate classification (germline): Likely pathogenic (1 of 4 stars; one submission).

Conditions:
Abnormal cerebral vascular morphology. Identifiers: MedGen C4022001, HP:0100659.

Submission:

Clinical Genetics Laboratory, Skane University Hospital Lund
Classification: Likely pathogenic for Abnormal cerebral vascular morphology. Last evaluated: 2024-12-10. Review status: criteria provided, single submitter. Criteria: ACMG Guidelines, 2015. Collection method: clinical testing. Allele origin: germline. Affected: yes.
Comment: ACMG criteria used: PVS1, PM2

NM_194454.3(KRIT1):c.1355_1359dup (p.Ser454fs)

Gene: KRIT1 (KRIT1 ankyrin repeat containing; minus strand). Cytogenetic location: 7q21.2.
Variant type: Duplication.
Coding change: c.1355_1359dup on transcript NM_194454.3 (MANE Select); coding-DNA positions 1355 to 1359, 5 bases duplicated (GTCTC; older notation c.1355_1359dupGTCTC).
Protein change: p.Ser454fs; shifts the reading frame from serine 454.
Molecular consequence: frameshift variant.
Genome position (GRCh38, 1-based): chr7:92,222,874-92,222,878, GAGAC duplicated on the plus strand (GTCTC on the coding strand, the reverse complement: KRIT1 is on the minus strand); duplicating any 5 consecutive bases within chr7:92,222,874-92,222,879 gives the same sequence; the c. name uses the placement nearest the transcript's 3' end. VCF-style (leftmost placement, unchanged base first): chr7-92222873-A-AGAGAC. GRCh37 (hg19) VCF-style: chr7-91852187-A-AGAGAC.
Other names: c.1211_1215dup, p.Ser406fs (NM_001013406.2, NM_001350669.1, NM_001350670.1); c.641_645dup, p.Ser216fs (NM_001350671.1); c.1355_1359dup, p.Ser454fs (NM_001350672.1, NM_001350673.1, NM_001350674.1 and 26 more transcripts); c.1359_1360insGTCTC (NM_194454.3); short protein forms S216fs, S406fs, S454fs.
Identifiers: ClinVar variation 3770221 (VCV003770221.1).
Genomic context (GRCh38, chr7:92,222,873, plus strand): 5'-CTTTCTTACTGAGGTTTTCTGAACAAATCCATATAGTGAAATATTGCTGAGTTTCTTGAG[A>AGAGAC]GAGACGCATTCCTTCCATTATCTGCTGCACTGTGGTATTATTTCCATGCTTCAATTCAAC-3'